The following is an entry in ClinVar:

ClinVar aggregate classification (germline): Conflicting classifications of pathogenicity. Review status: criteria provided, conflicting classifications (1 of 4 stars). 2 submissions from 2 submitters: Likely pathogenic (1); Uncertain significance (1). Last evaluated 2024-09-22.

Submissions (2):

Labcorp Genetics (formerly Invitae), Labcorp
Classification: Uncertain significance. Last evaluated: 2024-09-22. Review status: criteria provided, single submitter. Criteria: Invitae Variant Classification Sherloc (09022015). Collection method: clinical testing. Allele origin: germline.
Comment: This variant, c.451_453del, results in the deletion of 1 amino acid(s) of the KCNV2 protein (p.Phe151del), but otherwise preserves the integrity of the reading frame. This variant is present in population databases (rs766549271, gnomAD 0.006%). This variant has been observed in individual(s) with clinical features of retinal cone dystrophy (PMID: 23077521). This variant is also known as p.Phe150del. Experimental studies and prediction algorithms are not available or were not evaluated, and the functional significance of this variant is currently unknown. In summary, the available evidence is currently insufficient to determine the role of this variant in disease. Therefore, it has been classified as a Variant of Uncertain Significance.

GeneDx
Classification: Likely pathogenic. Last evaluated: 2023-11-07. Review status: criteria provided, single submitter. Criteria: GeneDx Variant Classification Process June 2021. Collection method: clinical testing. Allele origin: germline. Affected: yes.
Comment: In-frame deletion of 1 amino acid in a non-repeat region; In silico analysis supports a deleterious effect on protein structure/function; Not observed at significant frequency in large population cohorts (gnomAD); This variant is associated with the following publications: (PMID: 31964843, 23077521)

Literature cited by the submitters: PubMed 23077521 (cited by Labcorp Genetics (formerly Invitae), Labcorp).

NM_133497.4(KCNV2):c.448TTC[1] (p.Phe151del)

Gene: KCNV2 (potassium voltage-gated channel modifier subfamily V member 2; plus strand). Cytogenetic location: 9p24.2.
Variant type: Microsatellite.
Coding change: c.448TTC[1] on transcript NM_133497.4 (MANE Select); one copy of the 3-base unit TTC starting at c.448; the reference has two copies in a row; one copy, 3 bases deleted; also written c.451_453del.
Protein change: p.Phe151del; deletes phenylalanine 151.
Molecular consequence: inframe deletion.
Genome position (GRCh38, 1-based): chr9:2,718,190-2,718,192, TTC deleted; deleting any 3 consecutive bases within chr9:2,718,186-2,718,192 gives the same sequence; the position shown is the placement nearest the transcript's 3' end. VCF-style (leftmost placement, unchanged base first): chr9-2718185-ACTT-A. GRCh37 (hg19) VCF-style: chr9-2718185-ACTT-A.
Other names: c.451_453del (NM_133497.3); short protein forms F151del.
Identifiers: ClinVar variation 1475685 (VCV001475685.8), dbSNP rs766549271, ClinGen allele CA4965454.
Genomic context (GRCh38, chr9:2,718,185, plus strand): 5'-CCACCAGCCGCAGCCGCCAGCTAAGCCTGTGCGACGACTACGAGGAGCAGACAGACGAAT[ACTT>A]CTTCGACCGCGACCCGGCCGTCTTCCAGCTGGTCTACAATTTCTACCTGTCCGGGGTGCT-3'